The following is an entry in ClinVar:

NM_032119.4(ADGRV1):c.13172T>C (p.Met4391Thr)

Gene: ADGRV1 (adhesion G protein-coupled receptor V1; plus strand). Cytogenetic location: 5q14.3.
Variant type: single nucleotide variant.
Coding change: c.13172T>C on transcript NM_032119.4 (MANE Select); coding-DNA position 13172, T replaced by C.
Protein change: p.Met4391Thr; replaces methionine 4391 with threonine.
Molecular consequence: missense variant. On other transcripts: non-coding transcript variant (1).
Genome position (GRCh38, 1-based): chr5:90,781,519, T>C. VCF-style: chr5-90781519-T-C. GRCh37 (hg19) VCF-style: chr5-90077336-T-C.
Other names: short protein forms M4391T.
Identifiers: ClinVar variation 839721 (VCV000839721.9), dbSNP rs745578837, ClinGen allele CA3341454.

ClinVar aggregate classification (germline): Conflicting classifications of pathogenicity. Review status: criteria provided, conflicting classifications (1 of 4 stars). 3 submissions from 3 submitters: Uncertain significance (2); Likely benign (1). Last evaluated 2025-12-17.

Allele frequency attached by ClinVar (database versions not stated): gnomAD 0.00001; gnomAD exomes 0.00001 and 0.00004; TOPMed 0.00002; ExAC 0.00003.
gnomAD v4.1: 20 of 1,611,520 alleles (0.0012%); highest among the groups gnomAD compares: Admixed American, 0.025%; no homozygotes.

Submissions (3):

Labcorp Genetics (formerly Invitae), Labcorp
Classification: Likely benign. Last evaluated: 2025-12-17. Review status: criteria provided, single submitter. Criteria: Invitae Variant Classification Sherloc (09022015). Collection method: clinical testing. Allele origin: germline.

GeneDx
Classification: Uncertain significance. Last evaluated: 2024-01-02. Review status: criteria provided, single submitter. Criteria: GeneDx Variant Classification Process June 2021. Collection method: clinical testing. Allele origin: germline. Affected: yes.
Comment: In silico analysis supports that this missense variant does not alter protein structure/function; Has not been previously published as pathogenic or benign to our knowledge

Blueprint Genetics
Classification: Uncertain significance. Last evaluated: 2021-06-29. Review status: criteria provided, single submitter. Criteria: ACMG Guidelines, 2015. Collection method: clinical testing. Allele origin: germline.